The following is an entry in ClinVar:

ClinVar aggregate classification (germline): Uncertain significance (1 of 4 stars; one submission).

Conditions:
X-linked Alport syndrome (ATS1). Also called: NEPHROPATHY AND DEAFNESS, X-LINKED; COL4A5-Related Nephropathy. Identifiers: Orphanet 63, Orphanet 88917, MedGen C4746986, MONDO:0010520, OMIM 301050.

Submission:

3billion
Classification: Uncertain significance for X-linked Alport syndrome. Last evaluated: 2025-06-26. Review status: criteria provided, single submitter. Criteria: ACMG Guidelines, 2015. Collection method: clinical testing. Allele origin: germline. Affected: yes.
Comment: The variant is not observed in the gnomAD v4.1.0 dataset. Predicted Consequence/Location: The variant is located in a mutational hot spot and/or well-established functional domain in which established pathogenic variants have been reported (N/A). In silico tool predictions suggest damaging effect of the variant on gene or gene product [REVEL: 0.66 (>=0.6, sensitivity 0.68 and specificity 0.92); 3Cnet: 0.35 (> 0.75, sensitivity 0.96 and precision 0.92)]. Therefore, this variant is classified as VUS according to the recommendation of ACMG/AMP guideline.

NM_033380.3(COL4A5):c.1114G>A (p.Glu372Lys)

Gene: COL4A5 (collagen type IV alpha 5 chain; plus strand). Cytogenetic location: Xq22.3.
Variant type: single nucleotide variant.
Coding change: c.1114G>A on transcript NM_033380.3 (MANE Select); coding-DNA position 1114, G replaced by A.
Protein change: p.Glu372Lys; replaces glutamic acid 372 with lysine.
Molecular consequence: missense variant.
Genome position (GRCh38, 1-based): chrX:108,586,696, G>A. VCF-style: chrX-108586696-G-A. GRCh37 (hg19) VCF-style: chrX-107829926-G-A.
Other names: c.1114G>A, p.Glu372Lys (NM_000495.5); short protein forms E372K.
Identifiers: ClinVar variation 4854796 (VCV004854796.1).